The following is an entry in ClinVar:

NM_001291303.3(FAT4):c.8008A>G (p.Ile2670Val)

Gene: FAT4 (FAT atypical cadherin 4; plus strand). Cytogenetic location: 4q28.1.
Variant type: single nucleotide variant.
Coding change: c.8008A>G on transcript NM_001291303.3 (MANE Select); coding-DNA position 8008, A replaced by G.
Protein change: p.Ile2670Val; replaces isoleucine 2670 with valine.
Molecular consequence: missense variant.
Genome position (GRCh38, 1-based): chr4:125,449,018, A>G. VCF-style: chr4-125449018-A-G. GRCh37 (hg19) VCF-style: chr4-126370173-A-G.
Other names: c.8008A>G, p.Ile2670Val (NM_001291285.3); c.8002A>G, p.Ile2668Val (NM_024582.6); c.8002A>G (NM_024582.4); short protein forms I2670V, I2668V.
Identifiers: ClinVar variation 2907907 (VCV002907907.4), dbSNP rs751270131, ClinGen allele CA3073297.

ClinVar aggregate classification (germline): Conflicting classifications of pathogenicity. Review status: criteria provided, conflicting classifications (1 of 4 stars). 2 submissions from 2 submitters: Uncertain significance (1); Likely benign (1). Last evaluated 2025-07-03.

Conditions:
Inborn genetic diseases. Identifiers: MedGen C0950123, MeSH D030342.

Allele frequency attached by ClinVar (database versions not stated): ExAC 0.00002; gnomAD exomes 0.00002; TOPMed 0.00003; gnomAD 0.00005.
gnomAD v4.1: 35 of 1,613,646 alleles (0.0022%); highest among the groups gnomAD compares: African/African-American, 0.0027%; no homozygotes.

Submissions (2):

Ambry Genetics
Classification: Likely benign for Inborn genetic diseases. Last evaluated: 2025-07-03. Review status: criteria provided, single submitter. Criteria: Ambry Variant Classification Scheme 2023. Collection method: clinical testing. Allele origin: germline.

Labcorp Genetics (formerly Invitae), Labcorp
Classification: Uncertain significance. Last evaluated: 2023-03-24. Review status: criteria provided, single submitter. Criteria: Invitae Variant Classification Sherloc (09022015). Collection method: clinical testing. Allele origin: germline.
Comment: In summary, the available evidence is currently insufficient to determine the role of this variant in disease. Therefore, it has been classified as a Variant of Uncertain Significance. This sequence change replaces isoleucine, which is neutral and non-polar, with valine, which is neutral and non-polar, at codon 2668 of the FAT4 protein (p.Ile2668Val). This variant is present in population databases (rs751270131, gnomAD 0.005%). This variant has not been reported in the literature in individuals affected with FAT4-related conditions. Advanced modeling of protein sequence and biophysical properties (such as structural, functional, and spatial information, amino acid conservation, physicochemical variation, residue mobility, and thermodynamic stability) performed at Invitae indicates that this missense variant is not expected to disrupt FAT4 protein function.